The following is an entry in ClinVar:

ClinVar aggregate classification (germline): Likely benign (1 of 4 stars; one submission).

Conditions:
Congenital glucose-galactose malabsorption (GGM). Also called: MONOSACCHARIDE MALABSORPTION; DIARRHEA 16. Identifiers: Orphanet 35710, MedGen C0268186, MONDO:0011731, OMIM 606824.

Allele frequency attached by ClinVar (database versions not stated): gnomAD 0.00010 and 0.00030; TOPMed 0.00015; 1000 Genomes Project 30x 0.00078; 1000 Genomes Project 0.00080.

Submission:

Illumina Laboratory Services, Illumina
Classification: Likely benign for Congenital glucose-galactose malabsorption. Last evaluated: 2018-01-13. Review status: criteria provided, single submitter. Criteria: ICSL Variant Classification Criteria 13 December 2019. Collection method: clinical testing. Allele origin: germline.
Comment: This variant was observed in the ICSL laboratory as part of a predisposition screen in an ostensibly healthy population. It had not been previously curated by ICSL or reported in the Human Gene Mutation Database (HGMD: prior to June 1st, 2018), and was therefore a candidate for classification through an automated scoring system. Utilizing variant allele frequency, disease prevalence and penetrance estimates, and inheritance mode, an automated score was calculated to assess if this variant is too frequent to cause the disease. Based on the score and internal cut-off values, a variant classified as likely benign is not then subjected to further curation. The score for this variant resulted in a classification of likely benign for this disease.

NM_000343.4(SLC5A1):c.*1455C>A

Gene: SLC5A1 (solute carrier family 5 member 1; plus strand). Cytogenetic location: 22q12.3.
Variant type: single nucleotide variant.
Coding change: c.*1455C>A on transcript NM_000343.4 (MANE Select); 1455 bases downstream of the stop codon, C replaced by A.
Molecular consequence: 3 prime UTR variant.
Genome position (GRCh38, 1-based): chr22:32,111,668, C>A. VCF-style: chr22-32111668-C-A. GRCh37 (hg19) VCF-style: chr22-32507655-C-A.
Other names: c.*1455C>A (NM_001256314.2).
Identifiers: ClinVar variation 341287 (VCV000341287.5), dbSNP rs559383534, ClinGen allele CA10653370.